The following is an entry in ClinVar:

ClinVar aggregate classification (germline): Likely benign (1 of 4 stars; one submission).

gnomAD v4.1: 87 of 1,613,844 alleles (0.0054%); highest among the groups gnomAD compares: Non-Finnish European, 0.0066%; no homozygotes.

Submission:

CeGaT Center for Human Genetics Tuebingen
Classification: Likely benign. Last evaluated: 2025-04-01. Review status: criteria provided, single submitter. Criteria: CeGaT Center For Human Genetics Tuebingen Variant Classification Criteria Version 2. Collection method: clinical testing. Allele origin: germline. Affected: yes. Observed: 1 variant allele.
Comment: MIEF1: BP4, BP7

NM_019008.6(MIEF1):c.1125G>A (p.Pro375=)

Gene: MIEF1 (mitochondrial elongation factor 1; plus strand). Cytogenetic location: 22q13.1.
Variant type: single nucleotide variant.
Coding change: c.1125G>A on transcript NM_019008.6 (MANE Select); coding-DNA position 1125, G replaced by A.
Protein change: p.Pro375=; no amino-acid change (proline 375 retained).
Molecular consequence: synonymous variant. On other transcripts: non-coding transcript variant (2).
Genome position (GRCh38, 1-based): chr22:39,514,056, G>A. VCF-style: chr22-39514056-G-A. GRCh37 (hg19) VCF-style: chr22-39910061-G-A.
Other names: c.1125G>A, p.Pro375= (NM_001304564.2).
Identifiers: ClinVar variation 3905008 (VCV003905008.10).